The following is an entry in ClinVar:

ClinVar aggregate classification (germline): Uncertain significance (1 of 4 stars; one submission).

Submission:

Labcorp Genetics (formerly Invitae), Labcorp
Classification: Uncertain significance. Last evaluated: 2025-04-13. Review status: criteria provided, single submitter. Criteria: Invitae Variant Classification Sherloc (09022015). Collection method: clinical testing. Allele origin: germline.
Comment: This sequence change falls in intron 7 of the CLCN7 gene. It does not directly change the encoded amino acid sequence of the CLCN7 protein. It affects a nucleotide within the consensus splice site. This variant is not present in population databases (gnomAD no frequency). This variant has not been reported in the literature in individuals affected with CLCN7-related conditions. Variants that disrupt the consensus splice site are a relatively common cause of aberrant splicing (PMID: 17576681, 9536098). Algorithms developed to predict the effect of sequence changes on RNA splicing suggest that this variant may disrupt the consensus splice site. In summary, the available evidence is currently insufficient to determine the role of this variant in disease. Therefore, it has been classified as a Variant of Uncertain Significance.

Literature cited by the submitters: PubMed 17576681; PubMed 9536098.

NM_001287.6(CLCN7):c.675+5G>A

Gene: CLCN7 (chloride voltage-gated channel 7; minus strand). Cytogenetic location: 16p13.3.
Variant type: single nucleotide variant.
Coding change: c.675+5G>A on transcript NM_001287.6 (MANE Select); 5 bases into the intron after coding-DNA position 675, G replaced by A.
Molecular consequence: intron variant.
Genome position (GRCh38, 1-based): chr16:1,459,102, C>T on the plus strand (G>A on the coding strand, the complement: CLCN7 is on the minus strand). VCF-style: chr16-1459102-C-T. GRCh37 (hg19) VCF-style: chr16-1509103-C-T.
Other names: c.603+5G>A (NM_001114331.3).
Identifiers: ClinVar variation 4743639 (VCV004743639.1).